The following is an entry in ClinVar:

ClinVar aggregate classification (germline): Uncertain significance (1 of 4 stars; one submission).

Conditions:
Vici syndrome (VICIS). Identifiers: Orphanet 1493, MedGen C1855772, MONDO:0009452, OMIM 242840.

Allele frequency attached by ClinVar (database versions not stated): gnomAD exomes below 0.00001; TOPMed below 0.00001.
gnomAD v4.1: 1 of 1,614,158 alleles (0.000062%); highest among the groups gnomAD compares: Non-Finnish European, 0.000085%; no homozygotes.

Submission:

Labcorp Genetics (formerly Invitae), Labcorp
Classification: Uncertain significance for Vici syndrome. Last evaluated: 2022-08-16. Review status: criteria provided, single submitter. Criteria: Invitae Variant Classification Sherloc (09022015). Collection method: clinical testing. Allele origin: germline.
Comment: This variant has not been reported in the literature in individuals affected with EPG5-related conditions. In summary, the available evidence is currently insufficient to determine the role of this variant in disease. Therefore, it has been classified as a Variant of Uncertain Significance. Algorithms developed to predict the effect of sequence changes on RNA splicing suggest that this variant may disrupt the consensus splice site. Algorithms developed to predict the effect of missense changes on protein structure and function output the following: SIFT: "Tolerated"; PolyPhen-2: "Benign"; Align-GVGD: "Class C0". The valine amino acid residue is found in multiple mammalian species, which suggests that this missense change does not adversely affect protein function. ClinVar contains an entry for this variant (Variation ID: 1427934). This variant is not present in population databases (gnomAD no frequency). This sequence change replaces isoleucine, which is neutral and non-polar, with valine, which is neutral and non-polar, at codon 2503 of the EPG5 protein (p.Ile2503Val).

NM_020964.3(EPG5):c.7507A>G (p.Ile2503Val)

Gene: EPG5 (ectopic P-granules 5 autophagy tethering factor; minus strand). Cytogenetic location: 18q12.3.
Variant type: single nucleotide variant.
Coding change: c.7507A>G on transcript NM_020964.3 (MANE Select); coding-DNA position 7507, A replaced by G.
Protein change: p.Ile2503Val; replaces isoleucine 2503 with valine.
Molecular consequence: missense variant.
Genome position (GRCh38, 1-based): chr18:45,855,623, T>C on the plus strand (A>G on the coding strand, the complement: EPG5 is on the minus strand). VCF-style: chr18-45855623-T-C. GRCh37 (hg19) VCF-style: chr18-43435588-T-C.
Other names: short protein forms I2503V.
Identifiers: ClinVar variation 1427934 (VCV001427934.5), dbSNP rs2048500326, ClinGen allele CA402335621.